The following is an entry in ClinVar:

ClinVar aggregate classification (germline): Likely benign. Review status: criteria provided, multiple submitters, no conflicts (2 of 4 stars). 2 submissions from 2 submitters: Likely benign (2). Last evaluated 2025-06-13.

Conditions:
Brody myopathy. Also called: BRODY DISEASE. Identifiers: Orphanet 53347, MedGen C1832918, MONDO:0010977, OMIM 601003.

Allele frequency attached by ClinVar (database versions not stated): ExAC 0.00001; gnomAD 0.00001 and 0.00002; gnomAD exomes 0.00002.
gnomAD v4.1: 23 of 1,613,928 alleles (0.0014%); highest among the groups gnomAD compares: African/African-American, 0.012%; no homozygotes.

Submissions (2):

Labcorp Genetics (formerly Invitae), Labcorp
Classification: Likely benign for Brody myopathy. Last evaluated: 2025-06-13. Review status: criteria provided, single submitter. Criteria: Invitae Variant Classification Sherloc (09022015). Collection method: clinical testing. Allele origin: germline.

Athena Diagnostics
Classification: Likely benign. Last evaluated: 2025-03-25. Review status: criteria provided, single submitter. Criteria: Athena Diagnostics Criteria. Collection method: clinical testing. Allele origin: unknown.
Comment: Computational tools yielded predictions that this variant is unlikely to have an effect on normal RNA splicing. This nucleotide position exhibits low evolutionary conservation.

NM_004320.6(ATP2A1):c.690C>T (p.Thr230=)

Gene: ATP2A1 (ATPase sarcoplasmic/endoplasmic reticulum Ca2+ transporting 1; plus strand). Cytogenetic location: 16p11.2.
Variant type: single nucleotide variant.
Coding change: c.690C>T on transcript NM_004320.6 (MANE Select); coding-DNA position 690, C replaced by T.
Protein change: p.Thr230=; no amino-acid change (threonine 230 retained).
Molecular consequence: synonymous variant.
Genome position (GRCh38, 1-based): chr16:28,887,484, C>T. VCF-style: chr16-28887484-C-T. GRCh37 (hg19) VCF-style: chr16-28898805-C-T.
Other names: c.315C>T, p.Thr105= (NM_001286075.2); c.690C>T, p.Thr230= (NM_173201.5); c.690C>T (NM_004320.4).
Identifiers: ClinVar variation 1092035 (VCV001092035.10), dbSNP rs756854250, ClinGen allele CA7986749.